The following is an entry in ClinVar:

NM_002843.4(PTPRJ):c.2577T>C (p.Ala859=)

Gene: PTPRJ (protein tyrosine phosphatase receptor type J; plus strand). Cytogenetic location: 11p11.2.
Variant type: single nucleotide variant.
Coding change: c.2577T>C on transcript NM_002843.4 (MANE Select); coding-DNA position 2577, T replaced by C.
Protein change: p.Ala859=; no amino-acid change (alanine 859 retained).
Molecular consequence: synonymous variant.
Genome position (GRCh38, 1-based): chr11:48,144,676, T>C. VCF-style: chr11-48144676-T-C. GRCh37 (hg19) VCF-style: chr11-48166228-T-C.
Identifiers: ClinVar variation 3059693 (VCV003059693.2), dbSNP rs2495213736, ClinGen allele CA474435289.

ClinVar aggregate classification (germline): Likely benign (0 of 4 stars; one submission).

Conditions:
PTPRJ-related disorder. Also called: PTPRJ-related condition.

Allele frequency attached by ClinVar (database versions not stated): gnomAD exomes 0.00001.
gnomAD v4.1: 8 of 1,612,674 alleles (0.0005%); highest among the groups gnomAD compares: Non-Finnish European, 0.00068%; no homozygotes.

Submission:

PreventionGenetics, part of Exact Sciences
Classification: Likely benign for PTPRJ-related condition. Last evaluated: 2022-02-01. Review status: no assertion criteria provided. Collection method: clinical testing. Allele origin: germline.
Comment: This variant is classified as likely benign based on ACMG/AMP sequence variant interpretation guidelines (Richards et al. 2015 PMID: 25741868, with internal and published modifications).